The following is an entry in ClinVar:

NM_002878.4(RAD51D):c.793G>A (p.Gly265Arg)

Genes: RAD51D (RAD51 paralog D; minus strand), RAD51L3-RFFL (RAD51L3-RFFL readthrough; minus strand). Cytogenetic location: 17q12.
Variant type: single nucleotide variant.
Coding change: c.793G>A on transcript NM_002878.4 (MANE Select); coding-DNA position 793, G replaced by A.
Protein change: p.Gly265Arg; replaces glycine 265 with arginine.
Molecular consequence: missense variant. On other transcripts: non-coding transcript variant (3).
Genome position (GRCh38, 1-based): chr17:35,101,311, C>T on the plus strand (G>A on the coding strand, the complement: RAD51D is on the minus strand). VCF-style: chr17-35101311-C-T. GRCh37 (hg19) VCF-style: chr17-33428330-C-T.
Other names: p.Gly265Arg; c.853G>A, p.Gly285Arg (NM_001142571.2); c.457G>A, p.Gly153Arg (NM_133629.3); short protein forms G265R, G153R, G285R.
Identifiers: ClinVar variation 142125 (VCV000142125.40), dbSNP rs140285068, ClinGen allele CA167462.

ClinVar aggregate classification (germline): Conflicting classifications of pathogenicity. Review status: criteria provided, conflicting classifications (1 of 4 stars). 17 submissions from 17 submitters: Uncertain significance (16); Likely benign (1). Last evaluated 2026-06-09.

Conditions:
Familial ovarian cancer. Identifiers: MedGen C5679802, MONDO:0016248.
Breast and/or ovarian cancer. Identifiers: MedGen CN221562.
Hereditary cancer-predisposing syndrome. Also called: Neoplastic Syndromes, Hereditary; Tumor predisposition; Hereditary neoplastic syndrome; Hereditary Cancer Syndrome. Identifiers: Orphanet 140162, MedGen C0027672, MeSH D009386, MONDO:0015356.
Hereditary breast ovarian cancer syndrome. Also called: Hereditary breast and ovarian cancer syndrome (HBOC); Hereditary breast and ovarian cancer syndrome; Hereditary breast and ovarian cancer; Hereditary breast and/or ovarian cancer syndrome; Breast and ovarian cancer; BRCA1- and BRCA2-Associated Hereditary Breast and Ovarian Cancer. Identifiers: Orphanet 145, MedGen C0677776, MeSH D061325, MONDO:0003582. Disease mechanism: loss of function.
Breast-ovarian cancer, familial, susceptibility to, 4. Identifiers: Orphanet 145, MedGen C3280345, MONDO:0013669, OMIM 614291.

Allele frequency attached by ClinVar (database versions not stated): gnomAD 0.00003 and 0.00004; ExAC 0.00004; TOPMed 0.00004; gnomAD exomes 0.00005 and 0.00007; ESP Exome Variant Server 0.00015.

Submissions (17):

German Consortium for Hereditary Breast and Ovarian Cancer, University Hospital Cologne
Classification: Likely benign for Hereditary breast ovarian cancer syndrome. Last evaluated: 2026-06-09. Review status: criteria provided, single submitter. Criteria: ACMG SVI. Collection method: curation. Allele origin: germline.
Comment: This classification follows the ACMG SVI adaptation classification scheme; We chose these criteria: PP3 (supporting pathogenic): REVEL = 0.696 (as per Pejaver (2022, PMID: 36413997): PP3_SUP), BS1 (strong benign): Grpmax Filtering AF 0.00006972 ENF in gnomAD v.4.1 (> 0.0000583)

Labcorp Genetics (formerly Invitae), Labcorp
Classification: Uncertain significance for Breast-ovarian cancer, familial, susceptibility to, 4. Last evaluated: 2026-01-26. Review status: criteria provided, single submitter. Criteria: Invitae Variant Classification Sherloc (09022015). Collection method: clinical testing. Allele origin: germline.
Comment: This sequence change replaces glycine, which is neutral and non-polar, with arginine, which is basic and polar, at codon 265 of the RAD51D protein (p.Gly265Arg). This variant is present in population databases (rs140285068, gnomAD 0.006%). This missense change has been observed in individual(s) with hereditary breast and/or ovarian cancer (PMID: 22415235, 23372765, 32068069, 35264596). This variant is also known as c.853G>A (p.Gly285Arg). ClinVar contains an entry for this variant (Variation ID: 142125). Invitae Evidence Modeling of protein sequence and biophysical properties (such as structural, functional, and spatial information, amino acid conservation, physicochemical variation, residue mobility, and thermodynamic stability) indicates that this missense variant is expected to disrupt RAD51D protein function with a positive predictive value of 80%. RNA analysis performed to evaluate the impact of this missense change on mRNA splicing indicates it does not significantly alter splicing (internal data). In summary, the available evidence is currently insufficient to determine the role of this variant in disease. Therefore, it has been classified as a Variant of Uncertain Significance.

Center for Genomic Medicine, Rigshospitalet, Copenhagen University Hospital
Classification: Uncertain significance. Last evaluated: 2025-12-29. Review status: criteria provided, single submitter. Criteria: ACMG Guidelines, 2015. Collection method: clinical testing. Allele origin: germline.

Ambry Genetics
Classification: Uncertain significance for Hereditary cancer-predisposing syndrome. Last evaluated: 2025-11-12. Review status: criteria provided, single submitter. Criteria: Ambry Variant Classification Scheme 2023. Collection method: clinical testing. Allele origin: germline.

Quest Diagnostics Nichols Institute San Juan Capistrano
Classification: Uncertain significance. Last evaluated: 2025-05-02. Review status: criteria provided, single submitter. Criteria: Quest Diagnostics criteria. Collection method: clinical testing. Allele origin: unknown.
Comment: The RAD51D c.793G>A (p.Gly265Arg) variant (also known as c.853G>A (p.Gly285Arg) in the NM_001142571.1 transcript) has been reported in the published literature in individuals with personal or family history of breast/ovarian cancer (PMIDs: 35264596 (2022), 32986223 (2021), 32068069 (2020), 29255180 (2017), 26328243 (2015), 23372765 (2013), 22415235 (2012)). It has also been identified in reportedly healthy individuals (PMIDs: 26261251 (2015), 21822267 (2011)), and described to not segregate with disease in a breast/ovarian cancer family (PMID: 22415235 (2012)). This variant was observed in additional breast cancer cases as well as in reportedly healthy individuals in a large case-control study (PMID: 33471991 (2021), see also LOVD). The frequency of this variant in the general population (Genome Aggregation Database) is uninformative in the assessment of its pathogenicity. Analysis of this variant using bioinformatics tools for the prediction of the effect of amino acid changes on protein structure and function yielded conflicting predictions that this variant is benign or damaging. Based on the available information, we are unable to determine the clinical significance of this variant.

Institute for Biomarker Research, Medical Diagnostic Laboratories, L.L.C.
Classification: Uncertain significance for Hereditary cancer-predisposing syndrome. Last evaluated: 2024-10-01. Review status: criteria provided, single submitter. Criteria: ACMG Guidelines, 2015. Collection method: clinical testing. Allele origin: germline.
Comment: The missense variant NM_002878.4(RAD51D):c.793G>A (p.Gly265Arg) has not been reported previously as a pathogenic variant nor as a benign variant, to our knowledge. The p.Gly265Arg variant is observed in 8/113,740 (0.007%) alleles from individuals of gnomAD Non Finnish European background in gnomAD. The p.Gly265Arg variant is novel (not in any individuals) in 1kG. There is a moderate physicochemical difference between glycine and arginine. The p.Gly265Arg missense variant is predicted to be damaging by both SIFT and PolyPhen2. The glycine residue at codon 265 of RAD51D is conserved in all mammalian species. The nucleotide c.793 in RAD51D is predicted conserved by GERP++ and PhyloP across 100 vertebrates. For these reasons, this variant has been classified as Uncertain Significance

Molecular Pathology, Peter Maccallum Cancer Centre
Classification: Uncertain significance for Familial ovarian cancer. Last evaluated: 2024-06-20. Review status: criteria provided, single submitter. Criteria: ACMG Guidelines, 2015. Collection method: clinical testing. Allele origin: germline. Inheritance: Autosomal dominant inheritance.

Color Diagnostics, LLC DBA Color Health
Classification: Uncertain significance for Hereditary cancer-predisposing syndrome. Last evaluated: 2024-05-21. Review status: criteria provided, single submitter. Criteria: ACMG Guidelines, 2015. Collection method: clinical testing. Allele origin: germline.
Comment: This missense variant replaces glycine with arginine at codon 265 of the RAD51D protein. Computational prediction is inconclusive regarding the impact of this variant on protein structure and function. To our knowledge, functional studies have not been reported for this variant. This variant has been reported in individuals affected with breast cancer (PMID: 23372765, 35264596), as well as in three unaffected control individuals in case-control studies (PMID: 26261251, 21822267). This variant has been reported to not segregate with disease in a family affected with breast and ovarian cancer (PMID: 22415235). In an international breast cancer case-control meta-analysis, this variant did not show a significant association with breast cancer (11/60455 cases, 17/53444 controls; OR=0.572; 95%CI 0.268 to 1.221; p-value=0.185; PMID: 33471991). This variant has been identified in 12/246190 chromosomes in the general population by the Genome Aggregation Database (gnomAD). The available evidence is insufficient to determine the role of this variant in disease conclusively. Therefore, this variant is classified as a Variant of Uncertain Significance.

Baylor Genetics
Classification: Uncertain significance for Breast-ovarian cancer, familial, susceptibility to, 4. Last evaluated: 2024-02-26. Review status: criteria provided, single submitter. Criteria: ACMG Guidelines, 2015. Collection method: clinical testing. Allele origin: unknown.

GeneDx
Classification: Uncertain significance. Last evaluated: 2023-12-03. Review status: criteria provided, single submitter. Criteria: GeneDx Variant Classification Process June 2021. Collection method: clinical testing. Allele origin: germline. Affected: yes.
Comment: In silico analysis supports that this missense variant has a deleterious effect on protein structure/function; This variant is associated with the following publications: (PMID: 22415235, 21822267, 26261251, 23372765, 29255180, 32986223, 33471991, 34923718, 35264596, 21111057, 14704354, 19327148)

Department of Pathology and Laboratory Medicine, Sinai Health System
Classification: Uncertain significance for Breast-ovarian cancer, familial, susceptibility to, 4. Last evaluated: 2023-10-10. Review status: criteria provided, single submitter. Criteria: ACMG Guidelines, 2015. Collection method: clinical testing. Allele origin: germline. Affected: no.

CHEO Genetics Diagnostic Laboratory, Children's Hospital of Eastern Ontario
Classification: Uncertain significance for Breast and/or ovarian cancer. Last evaluated: 2023-03-01. Review status: criteria provided, single submitter. Criteria: ACMG Guidelines, 2015. Collection method: clinical testing. Allele origin: germline.

Mayo Clinic Laboratories, Mayo Clinic
Classification: Uncertain significance. Last evaluated: 2022-07-20. Review status: criteria provided, single submitter. Criteria: ACMG Guidelines, 2015. Collection method: clinical testing. Allele origin: germline. Observed: 1 variant allele.

Sema4
Classification: Uncertain significance for Hereditary cancer-predisposing syndrome. Last evaluated: 2021-06-04. Review status: criteria provided, single submitter. Criteria: Sema4 Curation Guidelines. Collection method: curation. Allele origin: germline.
Comment: The RAD51D c.793G>A (p.G265R) variant has been reported in individuals with familial breast and ovarian cancer. However, in at least one family the variant did not segregate with the disease (PMID: 23372765). Additionally, the variant was also observed in controls (PMID: 22415235, 23372765, 21822267, 26261251). Furthermore, a large breast cancer case-control study failed to establish an association of the variant with the disease (PMID: 33471991). It was observed in 8/129160 chromosomes of the Non-Finnish European subpopulation in the large and broad cohorts of the Genome Aggregation Database (PMID: 32461654). The variant has been reported in ClinVar (Variation ID 142125). In silico tools suggest the impact of the variant on protein function is inconclusive though these predictions have not been confirmed by functional studies. The evidence is insufficient to meet ACMG/AMP criteria for classifying the variant as benign or pathogenic. Thus, the clinical significance of this variant is currently uncertain.

Mendelics
Classification: Uncertain significance for Breast-ovarian cancer, familial, susceptibility to, 4. Last evaluated: 2019-05-28. Review status: criteria provided, single submitter. Criteria: Mendelics Assertion Criteria 2017. Collection method: clinical testing. Allele origin: unknown.

Fulgent Genetics
Classification: Uncertain significance for Breast-ovarian cancer, familial, susceptibility to, 4. Last evaluated: 2018-10-31. Review status: criteria provided, single submitter. Criteria: ACMG Guidelines, 2015. Collection method: clinical testing. Allele origin: unknown.

PreventionGenetics, part of Exact Sciences
Classification: Uncertain significance. Last evaluated: 2017-08-08. Review status: criteria provided, single submitter. Criteria: ACMG Guidelines, 2015. Collection method: clinical testing. Allele origin: germline.

Literature cited by the submitters: PubMed 22415235 (cited by 6 submitters); PubMed 23372765 (cited by 6 submitters); PubMed 32068069 (cited by Labcorp Genetics (formerly Invitae), Labcorp and Quest Diagnostics Nichols Institute San Juan Capistrano); PubMed 35264596 (cited by 3 submitters); PubMed 26261251 (cited by 5 submitters); PubMed 21822267 (cited by 5 submitters); PubMed 33471991 (cited by 3 submitters); PubMed 32986223 (cited by Quest Diagnostics Nichols Institute San Juan Capistrano); PubMed 26328243 (cited by Quest Diagnostics Nichols Institute San Juan Capistrano); PubMed 29255180 (cited by Quest Diagnostics Nichols Institute San Juan Capistrano).